The following is an entry in ClinVar:

ClinVar aggregate classification (germline): Benign. Review status: criteria provided, multiple submitters, no conflicts (2 of 4 stars). 3 submissions from 3 submitters: Benign (2). 1 of the submissions does not count toward it. Last evaluated 2016-03-29.

Conditions:
DNAH2-related disorder. Also called: DNAH2-related condition.

Allele frequency attached by ClinVar (database versions not stated): 1000 Genomes Project 30x 0.75765; 1000 Genomes Project 0.76138; TOPMed 0.78462; ESP Exome Variant Server 0.79217; gnomAD 0.79964 and 0.80536; ExAC 0.87417; gnomAD exomes 0.88148 and 0.91934.

Submissions (3):

Laboratory for Molecular Medicine, Mass General Brigham Personalized Medicine
Classification: Benign. Last evaluated: 2016-03-29. Review status: criteria provided, single submitter. Criteria: LMM Criteria. Collection method: clinical testing. Allele origin: germline.
Comment: Variant identified in a genome or exome case(s) and assessed due to predicted null impact of the variant or pathogenic assertions in the literature or databases. Disclaimer: This variant has not undergone full assessment. The following are preliminary notes: Frequency

Breakthrough Genomics
Classification: Benign. Review status: criteria provided, single submitter. Criteria: ACMG Guidelines, 2015. Collection method: not provided. Allele origin: germline. Inheritance: Autosomal recessive inheritance. Affected: yes.

PreventionGenetics, part of Exact Sciences
Classification: Benign for DNAH2-related condition. Last evaluated: 2019-10-17. Review status: no assertion criteria provided. Collection method: clinical testing. Allele origin: germline. Not counted in ClinVar's aggregate classification.
Comment: This variant is classified as benign based on ACMG/AMP sequence variant interpretation guidelines (Richards et al. 2015 PMID: 25741868, with internal and published modifications).

NM_020877.5(DNAH2):c.5265C>G (p.Val1755=)

Gene: DNAH2 (dynein axonemal heavy chain 2; plus strand). Cytogenetic location: 17p13.1.
Variant type: single nucleotide variant.
Coding change: c.5265C>G on transcript NM_020877.5 (MANE Select); coding-DNA position 5265, C replaced by G.
Protein change: p.Val1755=; no amino-acid change (valine 1755 retained).
Molecular consequence: synonymous variant.
Genome position (GRCh38, 1-based): chr17:7,778,094, C>G. VCF-style: chr17-7778094-C-G. GRCh37 (hg19) VCF-style: chr17-7681412-C-G.
Other names: c.5265C>G (NM_020877.3).
Identifiers: ClinVar variation 402709 (VCV000402709.7), dbSNP rs7359662, ClinGen allele CA8357403.